The following is an entry in ClinVar:

NM_024529.5(CDC73):c.815A>G (p.Asn272Ser)

Gene: CDC73 (cell division cycle 73; plus strand). Cytogenetic location: 1q31.2.
Variant type: single nucleotide variant.
Coding change: c.815A>G on transcript NM_024529.5 (MANE Select); coding-DNA position 815, A replaced by G.
Protein change: p.Asn272Ser; replaces asparagine 272 with serine.
Molecular consequence: missense variant.
Genome position (GRCh38, 1-based): chr1:193,147,952, A>G. VCF-style: chr1-193147952-A-G. GRCh37 (hg19) VCF-style: chr1-193117082-A-G.
Other names: short protein forms N272S.
Identifiers: ClinVar variation 531641 (VCV000531641.11), dbSNP rs752383339, ClinGen allele CA1303465.

ClinVar aggregate classification (germline): Conflicting classifications of pathogenicity. Review status: criteria provided, conflicting classifications (1 of 4 stars). 3 submissions from 3 submitters: Uncertain significance (2); Likely benign (1). Last evaluated 2024-11-14.

Conditions:
Hereditary cancer-predisposing syndrome. Also called: Neoplastic Syndromes, Hereditary; Hereditary neoplastic syndrome; Tumor predisposition; Hereditary Cancer Syndrome. Identifiers: Orphanet 140162, MedGen C0027672, MeSH D009386, MONDO:0015356.
Hyperparathyroidism 1 (HRPT1). Also called: HYPERPARATHYROIDISM, FAMILIAL ISOLATED PRIMARY. Identifiers: Orphanet 99879, MedGen C1840402, MONDO:0007767, OMIM 145000.
Parathyroid carcinoma (PRTC). Also called: CDC73-Related Parathyroid Carcinoma; Parathyroid gland carcinoma. Identifiers: Orphanet 143, MedGen C0687150, MONDO:0012004, OMIM 608266, HP:0006780.
Hyperparathyroidism 2 with jaw tumors. Also called: HYPERPARATHYROIDISM, FAMILIAL PRIMARY, WITH MULTIPLE OSSIFYING JAW FIBROMAS; HYPERPARATHYROIDISM-JAW TUMOR SYNDROME, HEREDITARY; Hyperparathyroidism 2; Hyperparathyroidism-Jaw Tumor Syndrome. Identifiers: Orphanet 99880, MedGen C1704981, MONDO:0007768, OMIM 145001.

Allele frequency attached by ClinVar (database versions not stated): ExAC 0.00001; gnomAD exomes 0.00001; TOPMed 0.00002.
gnomAD v4.1: 6 of 1,610,666 alleles (0.00037%); highest among the groups gnomAD compares: East Asian, 0.011%; no homozygotes.

Submissions (3):

Labcorp Genetics (formerly Invitae), Labcorp
Classification: Uncertain significance for Parathyroid carcinoma. Last evaluated: 2024-11-14. Review status: criteria provided, single submitter. Criteria: Invitae Variant Classification Sherloc (09022015). Collection method: clinical testing. Allele origin: germline.
Comment: This sequence change replaces asparagine, which is neutral and polar, with serine, which is neutral and polar, at codon 272 of the CDC73 protein (p.Asn272Ser). This variant is present in population databases (rs752383339, gnomAD 0.01%). This missense change has been observed in individual(s) with parathyroid adenoma and primary hyperparathyroidism (PMID: 16728578). ClinVar contains an entry for this variant (Variation ID: 531641). Invitae Evidence Modeling of protein sequence and biophysical properties (such as structural, functional, and spatial information, amino acid conservation, physicochemical variation, residue mobility, and thermodynamic stability) indicates that this missense variant is not expected to disrupt CDC73 protein function with a negative predictive value of 80%. In summary, the available evidence is currently insufficient to determine the role of this variant in disease. Therefore, it has been classified as a Variant of Uncertain Significance.

Fulgent Genetics
Classification: Uncertain significance for Hyperparathyroidism 1; Hyperparathyroidism 2 with jaw tumors; Parathyroid carcinoma. Last evaluated: 2024-05-06. Review status: criteria provided, single submitter. Criteria: ACMG Guidelines, 2015. Collection method: clinical testing. Allele origin: germline.

Ambry Genetics
Classification: Likely benign for Hereditary cancer-predisposing syndrome. Last evaluated: 2022-01-06. Review status: criteria provided, single submitter. Criteria: Ambry Variant Classification Scheme 2023. Collection method: clinical testing. Allele origin: germline.

Literature cited by the submitters: PubMed 16728578 (cited by Labcorp Genetics (formerly Invitae), Labcorp).